The following is an entry in ClinVar:

ClinVar aggregate classification (germline): Pathogenic (1 of 4 stars; one submission).

Conditions:
Inborn genetic diseases. Identifiers: MedGen C0950123, MeSH D030342.

Submission:

Ambry Genetics
Classification: Pathogenic for Inborn genetic diseases. Last evaluated: 2018-02-13. Review status: criteria provided, single submitter. Criteria: Ambry Variant Classification Scheme 2023. Collection method: clinical testing. Allele origin: germline.
Comment: The c.79dupG pathogenic mutation, located in coding exon 1 of the MAN1B1 gene, results from a duplication of G at nucleotide position 79, causing a translational frameshift with a predicted alternate stop codon (p.A27Gfs*35). This alteration is expected to result in loss of function by premature protein truncation or nonsense-mediated mRNA decay. As such, this alteration is interpreted as a disease-causing mutation.

NM_016219.5(MAN1B1):c.79dup (p.Ala27fs)

Genes: MAN1B1 (mannosidase alpha class 1B member 1; plus strand), LOC130003078 (ATAC-STARR-seq lymphoblastoid active region 29343; plus strand). Cytogenetic location: 9q34.3.
Variant type: Duplication.
Coding change: c.79dup on transcript NM_016219.5 (MANE Select); coding-DNA position 79, one base duplicated (G; older notation c.79dupG).
Protein change: p.Ala27fs; shifts the reading frame from alanine 27.
Molecular consequence: frameshift variant. On other transcripts: non-coding transcript variant (2).
Genome position (GRCh38, 1-based): chr9:137,087,078, G duplicated; the last of 4 consecutive G bases (chr9:137,087,075-137,087,078); duplicating any one gives the same sequence. VCF-style (leftmost placement, unchanged base first): chr9-137087074-C-CG. GRCh37 (hg19) VCF-style: chr9-139981526-C-CG.
Other names: short protein forms A27fs.
Identifiers: ClinVar variation 632038 (VCV000632038.6), dbSNP rs1190243291, ClinGen allele CA861124655.